The following is an entry in ClinVar:

ClinVar aggregate classification (germline): Uncertain significance (0 of 4 stars; one submission).

Conditions:
WDPCP-related disorder. Also called: WDPCP-related condition.

gnomAD v4.1: 3 of 152,228 alleles (0.002%); highest among the groups gnomAD compares: African/African-American, 0.0072%; no homozygotes.

Submission:

PreventionGenetics, part of Exact Sciences
Classification: Uncertain significance for WDPCP-related condition. Last evaluated: 2024-07-26. Review status: no assertion criteria provided. Collection method: clinical testing. Allele origin: germline.
Comment: The WDPCP c.1930T>A variant is predicted to result in the amino acid substitution p.Cys644Ser. To our knowledge, this variant has not been reported in the literature. This variant is reported in 0.011% of alleles in individuals of African descent in gnomAD. At this time, the clinical significance of this variant is uncertain due to the absence of conclusive functional and genetic evidence.

NM_015910.7(WDPCP):c.1748+18491T>A

Gene: WDPCP (WD repeat containing planar cell polarity effector; minus strand). Cytogenetic location: 2p15.
Variant type: single nucleotide variant.
Coding change: c.1748+18491T>A on transcript NM_015910.7 (MANE Select); 18491 bases into the intron after coding-DNA position 1748, T replaced by A.
Molecular consequence: intron variant. On other transcripts: missense variant (1).
Genome position (GRCh38, 1-based): chr2:63,359,895, A>T on the plus strand (T>A on the coding strand, the complement: WDPCP is on the minus strand). VCF-style: chr2-63359895-A-T. GRCh37 (hg19) VCF-style: chr2-63587030-A-T.
Other names: c.1930T>A, p.Cys644Ser (NM_001354045.2); c.1676+18491T>A (NM_001354044.2); c.1271+18491T>A (NM_001042692.3); short protein forms C644S.
Identifiers: ClinVar variation 3357886 (VCV003357886.1).